The following is an entry in ClinVar:

NM_152641.4(ARID2):c.3068C>T (p.Pro1023Leu)

Gene: ARID2 (AT-rich interaction domain 2; plus strand). Cytogenetic location: 12q12.
Variant type: single nucleotide variant.
Coding change: c.3068C>T on transcript NM_152641.4 (MANE Select); coding-DNA position 3068, C replaced by T.
Protein change: p.Pro1023Leu; replaces proline 1023 with leucine.
Molecular consequence: missense variant.
Genome position (GRCh38, 1-based): chr12:45,851,191, C>T. VCF-style: chr12-45851191-C-T. GRCh37 (hg19) VCF-style: chr12-46244974-C-T.
Other names: c.3068C>T, p.Pro1023Leu (NM_001347839.2); short protein forms P1023L.
Identifiers: ClinVar variation 133564 (VCV000133564.4), dbSNP rs577713771, ClinGen allele CA156956.

ClinVar aggregate classification (germline): Likely benign. Review status: criteria provided, single submitter (1 of 4 stars). 2 submissions from 2 submitters: Likely benign (1). 1 of the submissions does not count toward it. Last evaluated 2018-12-17.

Allele frequency attached by ClinVar (database versions not stated): gnomAD exomes 0.00002 and 0.00014; gnomAD 0.00004 and 0.00005; TOPMed 0.00011; ExAC 0.00019; 1000 Genomes Project 30x 0.00031; 1000 Genomes Project 0.00040.
gnomAD v4.1: 54 of 1,614,174 alleles (0.0033%); highest among the groups gnomAD compares: East Asian, 0.078%; no homozygotes.

Submissions (2):

Labcorp Genetics (formerly Invitae), Labcorp
Classification: Likely benign. Last evaluated: 2018-12-17. Review status: criteria provided, single submitter. Criteria: Invitae Variant Classification Sherloc (09022015). Collection method: clinical testing. Allele origin: germline.

ITMI
No classification provided. Condition: AllHighlyPenetrant. Last evaluated: 2013-09-19. Review status: no classification provided. Collection method: reference population. Allele origin: germline. Not counted in ClinVar's aggregate classification.
Comment: Please see associated publication for description of ethnicities

Literature cited by the submitters: PubMed 24728327 (cited by ITMI).